The following is an entry in ClinVar:

ClinVar aggregate classification (germline): Uncertain significance (1 of 4 stars; one submission).

Conditions:
Mowat-Wilson syndrome (MOWS). Also called: Classic Mowat-Wilson Syndrome. Identifiers: Orphanet 2152, MedGen C1856113, MONDO:0009341, OMIM 235730.

gnomAD v4.1: 1 of 1,614,106 alleles (0.000062%); highest among the groups gnomAD compares: Non-Finnish European, 0.000085%; no homozygotes.

Submission:

Labcorp Genetics (formerly Invitae), Labcorp
Classification: Uncertain significance for Mowat-Wilson syndrome. Last evaluated: 2025-04-21. Review status: criteria provided, single submitter. Criteria: Invitae Variant Classification Sherloc (09022015). Collection method: clinical testing. Allele origin: germline.
Comment: This sequence change replaces tyrosine, which is neutral and polar, with histidine, which is basic and polar, at codon 923 of the ZEB2 protein (p.Tyr923His). This variant is not present in population databases (gnomAD no frequency). This variant has not been reported in the literature in individuals affected with ZEB2-related conditions. Invitae Evidence Modeling of protein sequence and biophysical properties (such as structural, functional, and spatial information, amino acid conservation, physicochemical variation, residue mobility, and thermodynamic stability) indicates that this missense variant is expected to disrupt ZEB2 protein function with a positive predictive value of 80%. In summary, the available evidence is currently insufficient to determine the role of this variant in disease. Therefore, it has been classified as a Variant of Uncertain Significance.

NM_014795.4(ZEB2):c.2767T>C (p.Tyr923His)

Gene: ZEB2 (zinc finger E-box binding homeobox 2; minus strand). Cytogenetic location: 2q22.3.
Variant type: single nucleotide variant.
Coding change: c.2767T>C on transcript NM_014795.4 (MANE Select); coding-DNA position 2767, T replaced by C.
Protein change: p.Tyr923His; replaces tyrosine 923 with histidine.
Molecular consequence: missense variant.
Genome position (GRCh38, 1-based): chr2:144,398,420, A>G on the plus strand (T>C on the coding strand, the complement: ZEB2 is on the minus strand). VCF-style: chr2-144398420-A-G. GRCh37 (hg19) VCF-style: chr2-145155987-A-G.
Other names: c.2695T>C, p.Tyr899His (NM_001171653.2); short protein forms Y899H, Y923H.
Identifiers: ClinVar variation 4706863 (VCV004706863.1).